The following is an entry in ClinVar:

NM_005909.5(MAP1B):c.4626G>A (p.Thr1542=)

Gene: MAP1B (microtubule associated protein 1B; plus strand). Cytogenetic location: 5q13.2.
Variant type: single nucleotide variant.
Coding change: c.4626G>A on transcript NM_005909.5 (MANE Select); coding-DNA position 4626, G replaced by A.
Protein change: p.Thr1542=; no amino-acid change (threonine 1542 retained).
Molecular consequence: synonymous variant.
Genome position (GRCh38, 1-based): chr5:72,197,981, G>A. VCF-style: chr5-72197981-G-A. GRCh37 (hg19) VCF-style: chr5-71493808-G-A.
Other names: c.4248G>A, p.Thr1416= (NM_001324255.2).
Identifiers: ClinVar variation 771378 (VCV000771378.17), dbSNP rs141224742, ClinGen allele CA3299189.
Genomic context (GRCh38, chr5:72,197,981, plus strand): 5'-TGAAGGTACTGTCTCAGACAAGTCAGCTACTCCTGTTGATGAGGGCGTAGCAGAAGACAC[G>A]TACTCTCATATGGAGGGTGTGGCCTCAGTGTCCACAGCCTCAGTGGCTACGAGCTCATTT-3'
Protein context (NP_005900.2, residues 1532-1552): TPVDEGVAED[Thr1542=]YSHMEGVASV

ClinVar aggregate classification (germline): Likely benign. Review status: criteria provided, multiple submitters, no conflicts (2 of 4 stars). 2 submissions from 2 submitters: Likely benign (2). Last evaluated 2024-11-01.

Allele frequency attached by ClinVar (database versions not stated): gnomAD 0.00015 and 0.00017; TOPMed 0.00023; ESP Exome Variant Server 0.00038.
gnomAD v4.1: 77 of 1,614,058 alleles (0.0048%); highest among the groups gnomAD compares: African/African-American, 0.063%; no homozygotes.

Submissions (2):

CeGaT Center for Human Genetics Tuebingen
Classification: Likely benign. Last evaluated: 2024-11-01. Review status: criteria provided, single submitter. Criteria: CeGaT Center For Human Genetics Tuebingen Variant Classification Criteria Version 2. Collection method: clinical testing. Allele origin: germline. Affected: yes. Observed: 1 variant allele.
Comment: MAP1B: BP4, BP7

Labcorp Genetics (formerly Invitae), Labcorp
Classification: Likely benign. Last evaluated: 2018-03-01. Review status: criteria provided, single submitter. Criteria: Invitae Variant Classification Sherloc (09022015). Collection method: clinical testing. Allele origin: germline.